The following is an entry in ClinVar:

ClinVar aggregate classification (germline): Conflicting classifications of pathogenicity. Review status: criteria provided, conflicting classifications (1 of 4 stars). 4 submissions from 4 submitters: Uncertain significance (2); Likely benign (2). Last evaluated 2023-08-23.

Conditions:
Hereditary breast ovarian cancer syndrome. Also called: Hereditary breast and ovarian cancer syndrome; BRCA1- and BRCA2-Associated Hereditary Breast and Ovarian Cancer; Hereditary breast and/or ovarian cancer syndrome; Hereditary breast and ovarian cancer; Breast and ovarian cancer; Hereditary breast and ovarian cancer syndrome (HBOC). Identifiers: Orphanet 145, MedGen C0677776, MeSH D061325, MONDO:0003582. Disease mechanism: loss of function.
Hereditary cancer-predisposing syndrome. Also called: Neoplastic Syndromes, Hereditary; Hereditary neoplastic syndrome; Hereditary Cancer Syndrome; Tumor predisposition. Identifiers: Orphanet 140162, MedGen C0027672, MeSH D009386, MONDO:0015356.
Breast-ovarian cancer, familial, susceptibility to, 2 (BROVCA2). Also called: BRCA2 Hereditary Breast and Ovarian Cancer. Identifiers: Orphanet 145, MedGen C2675520, MONDO:0012933, OMIM 612555. Disease mechanism: loss of function.

Submissions (4):

All of Us Research Program, National Institutes of Health
Classification: Uncertain significance for Breast-ovarian cancer, familial, susceptibility to, 2. Last evaluated: 2023-08-23. Review status: criteria provided, single submitter. Criteria: ACMG Guidelines, 2015. Collection method: clinical testing. Allele origin: germline. Inheritance: Autosomal dominant inheritance. Observed: 1 variant allele, 1 heterozygote.
Comment: This missense variant replaces alanine with threonine at codon 577 of the BRCA2 protein. Computational prediction suggests that this variant may not impact protein structure and function (internally defined REVEL score threshold <= 0.5, PMID: 27666373). To our knowledge, functional studies have not been reported for this variant. This variant has not been reported in individuals affected with BRCA2-related disorders in the literature. This variant has not been identified in the general population by the Genome Aggregation Database (gnomAD). The available evidence is insufficient to determine the role of this variant in disease conclusively. Therefore, this variant is classified as a Variant of Uncertain Significance.

This study involves interpretation of variants in research participants for the purpose of population health screening. Participant phenotype was not available at the time of variant classification. Additional details can be found in publication PMID: 35346344, PMCID: PMC8962531

University of Washington Department of Laboratory Medicine, University of Washington
Classification: Likely benign for Hereditary cancer-predisposing syndrome. Last evaluated: 2023-03-23. Review status: criteria provided, single submitter. Criteria: Dines et al. (Genet Med. 2020). Collection method: curation. Allele origin: germline.
Comment: Missense variant in a coldspot region where missense variants are very unlikely to be pathogenic (PMID:31911673).

BRCA2 exon 10 coldspot. Reclassification based on statistical prior probability.

Labcorp Genetics (formerly Invitae), Labcorp
Classification: Uncertain significance for Hereditary breast ovarian cancer syndrome. Last evaluated: 2020-07-16. Review status: criteria provided, single submitter. Criteria: Invitae Variant Classification Sherloc (09022015). Collection method: clinical testing. Allele origin: germline.
Comment: This variant has not been reported in the literature in individuals with BRCA2-related conditions. Algorithms developed to predict the effect of missense changes on protein structure and function output the following: SIFT: "Tolerated"; PolyPhen-2: "Benign"; Align-GVGD: "Class C0". The threonine amino acid residue is found in multiple mammalian species, suggesting that this missense change does not adversely affect protein function. These predictions have not been confirmed by published functional studies and their clinical significance is uncertain. In summary, the available evidence is currently insufficient to determine the role of this variant in disease. Therefore, it has been classified as a Variant of Uncertain Significance. This sequence change replaces alanine with threonine at codon 577 of the BRCA2 protein (p.Ala577Thr). The alanine residue is weakly conserved and there is a small physicochemical difference between alanine and threonine. This variant is not present in population databases (ExAC no frequency).

Ambry Genetics
Classification: Likely benign for Hereditary cancer-predisposing syndrome. Last evaluated: 2020-02-28. Review status: criteria provided, single submitter. Criteria: Ambry Variant Classification Scheme 2023. Collection method: clinical testing. Allele origin: germline.

NM_000059.4(BRCA2):c.1729G>A (p.Ala577Thr)

Gene: BRCA2 (BRCA2 DNA repair associated; plus strand). Cytogenetic location: 13q13.1.
Variant type: single nucleotide variant.
Coding change: c.1729G>A on transcript NM_000059.4 (MANE Select); coding-DNA position 1729, G replaced by A.
Protein change: p.Ala577Thr; replaces alanine 577 with threonine.
Molecular consequence: missense variant.
Genome position (GRCh38, 1-based): chr13:32,333,207, G>A. VCF-style: chr13-32333207-G-A. GRCh37 (hg19) VCF-style: chr13-32907344-G-A.
Other names: short protein forms A577T.
Identifiers: ClinVar variation 947611 (VCV000947611.14), dbSNP rs2072420568, ClinGen allele CA387765377.